The following is an entry in ClinVar:

NM_000052.7(ATP7A):c.3658+3A>G

Gene: ATP7A (ATPase copper transporting alpha; plus strand). Cytogenetic location: Xq21.1.
Variant type: single nucleotide variant.
Coding change: c.3658+3A>G on transcript NM_000052.7 (MANE Select); 3 bases into the intron after coding-DNA position 3658, A replaced by G.
Molecular consequence: intron variant.
Genome position (GRCh38, 1-based): chrX:78,038,985, A>G. VCF-style: chrX-78038985-A-G. GRCh37 (hg19) VCF-style: chrX-77294483-A-G.
Other names: c.3424+3A>G (NM_001282224.2).
Identifiers: ClinVar variation 4983191 (VCV004983191.1).

ClinVar aggregate classification (germline): Uncertain significance (1 of 4 stars; one submission).

Conditions:
ATP7A-related disorder. Also called: ATP7A-related condition.

gnomAD v4.1: 2 of 1,208,846 alleles (0.00017%); highest among the groups gnomAD compares: Non-Finnish European, 0.00011%; no homozygotes.

Submission:

PreventionGenetics, part of Exact Sciences
Classification: Uncertain significance for ATP7A-related condition. Last evaluated: 2026-08-13. Review status: criteria provided, single submitter. Criteria: ACMG Guidelines, 2015. Collection method: clinical testing. Allele origin: germline.
Comment: The ATP7A c.3658+3A>G variant is predicted to interfere with splicing. To our knowledge, this variant has not been reported in the literature. This variant has been reported in one heterozygous individual within the ‘other’ subpopulation in gnomAD. At this time, the clinical significance of this variant is uncertain due to the absence of conclusive functional and genetic evidence.